The following is an entry in ClinVar:

NM_001173464.2(KIF21A):c.2418+1G>A

Gene: KIF21A (kinesin family member 21A; minus strand). Cytogenetic location: 12q12.
Variant type: single nucleotide variant.
Coding change: c.2418+1G>A on transcript NM_001173464.2 (MANE Select); the canonical splice donor site of the intron after coding-DNA position 2418, G replaced by A.
Molecular consequence: splice donor variant.
Genome position (GRCh38, 1-based): chr12:39,337,095, C>T on the plus strand (G>A on the coding strand, the complement: KIF21A is on the minus strand). VCF-style: chr12-39337095-C-T. GRCh37 (hg19) VCF-style: chr12-39730897-C-T.
Other names: c.2379+1G>A (NM_001173465.2, NM_001173463.2, NM_017641.4 and 1 more transcripts); c.2418+1G>A (NM_001378440.1, NM_001378439.1).
Identifiers: ClinVar variation 4085290 (VCV004085290.8).

ClinVar aggregate classification (germline): Likely pathogenic (1 of 4 stars; one submission).

Submission:

CeGaT Center for Human Genetics Tuebingen
Classification: Likely pathogenic. Last evaluated: 2025-06-01. Review status: criteria provided, single submitter. Criteria: CeGaT Center For Human Genetics Tuebingen Variant Classification Criteria Version 2. Collection method: clinical testing. Allele origin: germline. Affected: yes. Observed: 1 variant allele.
Comment: KIF21A: PM2, PM3, PP4:Moderate, PVS1:Supporting